The following is an entry in ClinVar:

NM_000383.4(AIRE):c.868del (p.Gln290fs)

Gene: AIRE (autoimmune regulator; plus strand). Cytogenetic location: 21q22.3.
Variant type: Deletion.
Coding change: c.868del on transcript NM_000383.4 (MANE Select); coding-DNA position 868, one base deleted (C; older notation c.868delC).
Protein change: p.Gln290fs; shifts the reading frame from glutamine 290.
Molecular consequence: frameshift variant.
Genome position (GRCh38, 1-based): chr21:44,290,057, C deleted; the last of 5 consecutive C bases (chr21:44,290,053-44,290,057); deleting any one gives the same sequence. VCF-style (leftmost placement, unchanged base first): chr21-44290052-AC-A. GRCh37 (hg19) VCF-style: chr21-45709935-AC-A.
Other names: short protein forms Q290fs.
Identifiers: ClinVar variation 1359526 (VCV001359526.8), dbSNP rs2146379725, ClinGen allele CA2573157694.

ClinVar aggregate classification (germline): Pathogenic/Likely pathogenic. Review status: criteria provided, multiple submitters, no conflicts (2 of 4 stars). 2 submissions from 2 submitters: Pathogenic (1); Likely pathogenic (1). Last evaluated 2021-12-21.

Conditions:
Polyglandular autoimmune syndrome, type 1 (APS1). Also called: Autoimmune polyendocrine syndrome type 1; Autoimmune polyendocrinopathy syndrome, type I; Autoimmune polyendocrinopathy syndrome , type I, with or without reversible metaphyseal dysplasia; PGA I; AUTOIMMUNE POLYENDOCRINE SYNDROME, TYPE I, WITH OR WITHOUT REVERSIBLE METAPHYSEAL DYSPLASIA; HYPOADRENOCORTICISM WITH HYPOPARATHYROIDISM AND SUPERFICIAL MONILIASIS. Identifiers: Orphanet 3453, MedGen C0085859, MONDO:0009411, OMIM 240300.

Submissions (2):

Myriad Genetics, Inc.
Classification: Likely pathogenic for Polyglandular autoimmune syndrome, type 1. Last evaluated: 2021-12-21. Review status: criteria provided, single submitter. Criteria: Myriad Women's Health Autosomal Recessive and X-Linked Classification Criteria (2021). Collection method: clinical testing. Allele origin: unknown.
Comment: NM_000383.3(AIRE):c.868delC(Q290Sfs*88) is expected to be pathogenic in the context of autoimmune polyglandular syndrome type 1. This variant is predicted to lead to an abnormal or absent protein product due to the creation of a premature termination codon in AIRE, a gene where loss-of-function variants are known to be pathogenic. Please note: this variant was assessed in the context of healthy population screening.

Labcorp Genetics (formerly Invitae), Labcorp
Classification: Pathogenic for Polyglandular autoimmune syndrome, type 1. Last evaluated: 2021-08-14. Review status: criteria provided, single submitter. Criteria: Invitae Variant Classification Sherloc (09022015). Collection method: clinical testing. Allele origin: germline.
Comment: This sequence change creates a premature translational stop signal (p.Gln290Serfs*88) in the AIRE gene. It is expected to result in an absent or disrupted protein product. Loss-of-function variants in AIRE are known to be pathogenic (PMID: 11524731, 26141571). This variant is not present in population databases (ExAC no frequency). This variant has not been reported in the literature in individuals affected with AIRE-related conditions. For these reasons, this variant has been classified as Pathogenic.

Literature cited by the submitters: PubMed 11524731 (cited by Labcorp Genetics (formerly Invitae), Labcorp); PubMed 26141571 (cited by Labcorp Genetics (formerly Invitae), Labcorp).